The following is an entry in ClinVar:

ClinVar aggregate classification (germline): Uncertain significance (1 of 4 stars; one submission).

Submission:

GeneDx
Classification: Uncertain significance. Last evaluated: 2026-05-05. Review status: criteria provided, single submitter. Criteria: GeneDx Variant Classification Process June 2021. Collection method: clinical testing. Allele origin: germline.
Comment: Not observed at significant frequency in large population cohorts (gnomAD); In silico analysis supports that this missense variant has a deleterious effect on protein structure/function; Has not been previously published as pathogenic or benign to our knowledge

NM_130847.3(AMOTL1):c.1007A>C (p.Asp336Ala)

Gene: AMOTL1 (angiomotin like 1; plus strand). Cytogenetic location: 11q21.
Variant type: single nucleotide variant.
Coding change: c.1007A>C on transcript NM_130847.3 (MANE Select); coding-DNA position 1007, A replaced by C.
Protein change: p.Asp336Ala; replaces aspartic acid 336 with alanine.
Molecular consequence: missense variant.
Genome position (GRCh38, 1-based): chr11:94,800,197, A>C. VCF-style: chr11-94800197-A-C. GRCh37 (hg19) VCF-style: chr11-94533363-A-C.
Other names: c.857A>C, p.Asp286Ala (NM_001301007.2); short protein forms D286A, D336A.
Identifiers: ClinVar variation 4278667 (VCV004278667.2).
Genomic context (GRCh38, chr11:94,800,197, plus strand): 5'-AGACCAAGCAAATGATGTCCCCAGTCAGCAAGACCCAGGAGCACGGACTTTTTTATGGTG[A>C]CCAGCACCCCGGGATGCTCCACGAGATGGTCAAGCCCTACCCTGCTCCTCAGCCTGTGAG-3'
Protein context (NP_570899.1, residues 326-346): KTQEHGLFYG[Asp336Ala]QHPGMLHEMV